The following is an entry in ClinVar:

NM_006466.4(POLR3F):c.664G>A (p.Glu222Lys)

Gene: POLR3F (RNA polymerase III subunit F; plus strand). Cytogenetic location: 20p11.23.
Variant type: single nucleotide variant.
Coding change: c.664G>A on transcript NM_006466.4 (MANE Select); coding-DNA position 664, G replaced by A.
Protein change: p.Glu222Lys; replaces glutamic acid 222 with lysine.
Molecular consequence: missense variant. On other transcripts: non-coding transcript variant (1).
Genome position (GRCh38, 1-based): chr20:18,480,492, G>A. VCF-style: chr20-18480492-G-A. GRCh37 (hg19) VCF-style: chr20-18461136-G-A.
Other names: c.541G>A, p.Glu181Lys (NM_001282526.2); c.520G>A, p.Glu174Lys (NM_001410821.1); short protein forms E222K, E174K, E181K.
Identifiers: ClinVar variation 2184047 (VCV002184047.4), dbSNP rs765179415, ClinGen allele CA9777576.
Genomic context (GRCh38, chr20:18,480,492, plus strand): 5'-CCAATGATACAAAGAAATAGTTCATTTGCCTCATCACATGAAGTGTGGAAATATATCTGC[G>A]AATTGGGAATCAGTAAGGTCAGAACTGAATTTCATCTTATTTTTTAAAACTTATTCTTTG-3'
Protein context (NP_006457.2, residues 212-232): SSHEVWKYIC[Glu222Lys]LGISKVELSM

ClinVar aggregate classification (germline): Uncertain significance (1 of 4 stars; one submission).

Allele frequency attached by ClinVar (database versions not stated): gnomAD 0.00001; gnomAD exomes 0.00001; TOPMed 0.00002; ExAC 0.00003.
gnomAD v4.1: 19 of 1,584,500 alleles (0.0012%); highest among the groups gnomAD compares: Middle Eastern, 0.05%; no homozygotes.

Submission:

Labcorp Genetics (formerly Invitae), Labcorp
Classification: Uncertain significance. Last evaluated: 2026-01-05. Review status: criteria provided, single submitter. Criteria: Invitae Variant Classification Sherloc (09022015). Collection method: clinical testing. Allele origin: germline.
Comment: This sequence change replaces glutamic acid, which is acidic and polar, with lysine, which is basic and polar, at codon 181 of the POLR3F protein (p.Glu181Lys). This variant is present in population databases (rs765179415, gnomAD 0.01%). This variant has not been reported in the literature in individuals affected with POLR3F-related conditions. ClinVar contains an entry for this variant (Variation ID: 2184047). Experimental studies and prediction algorithms are not available or were not evaluated, and the functional significance of this variant is currently unknown. In summary, the available evidence is currently insufficient to determine the role of this variant in disease. Therefore, it has been classified as a Variant of Uncertain Significance.